The following is an entry in ClinVar:

NM_032119.4(ADGRV1):c.6792A>G (p.Thr2264=)

Gene: ADGRV1 (adhesion G protein-coupled receptor V1; plus strand). Cytogenetic location: 5q14.3.
Variant type: single nucleotide variant.
Coding change: c.6792A>G on transcript NM_032119.4 (MANE Select); coding-DNA position 6792, A replaced by G.
Protein change: p.Thr2264=; no amino-acid change (threonine 2264 retained).
Molecular consequence: synonymous variant. On other transcripts: non-coding transcript variant (1).
Genome position (GRCh38, 1-based): chr5:90,690,882, A>G. VCF-style: chr5-90690882-A-G. GRCh37 (hg19) VCF-style: chr5-89986699-A-G.
Other names: c.6792A>G (NM_032119.3).
Identifiers: ClinVar variation 2889369 (VCV002889369.4), dbSNP rs373369063, ClinGen allele CA3339876.

ClinVar aggregate classification (germline): Likely benign. Review status: criteria provided, multiple submitters, no conflicts (2 of 4 stars). 2 submissions from 2 submitters: Likely benign (2). Last evaluated 2025-12-22.

Conditions:
ADGRV1-related disorder. Also called: ADGRV1-related condition; ADGRV1-related disorders.

Allele frequency attached by ClinVar (database versions not stated): gnomAD exomes 0.00001; ExAC 0.00002; TOPMed 0.00002; ESP Exome Variant Server 0.00008.
gnomAD v4.1: 8 of 1,613,350 alleles (0.0005%); highest among the groups gnomAD compares: Admixed American, 0.0017%; no homozygotes.

Submissions (2):

Labcorp Genetics (formerly Invitae), Labcorp
Classification: Likely benign. Last evaluated: 2025-12-22. Review status: criteria provided, single submitter. Criteria: Invitae Variant Classification Sherloc (09022015). Collection method: clinical testing. Allele origin: germline.

PreventionGenetics, part of Exact Sciences
Classification: Likely benign for ADGRV1-related condition. Last evaluated: 2025-08-09. Review status: criteria provided, single submitter. Criteria: ACMG Guidelines, 2015. Collection method: clinical testing. Allele origin: germline.
Comment: This variant is classified as likely benign based on ACMG/AMP sequence variant interpretation guidelines (Richards et al. 2015 PMID: 25741868, with internal and published modifications).